The following is an entry in ClinVar:

ClinVar aggregate classification (germline): Uncertain significance. Review status: criteria provided, multiple submitters, no conflicts (2 of 4 stars). 2 submissions from 2 submitters: Uncertain significance (2). Last evaluated 2021-09-19.

Conditions:
Inborn genetic diseases. Identifiers: MedGen C0950123, MeSH D030342.
Charcot-Marie-Tooth disease type 4. Also called: Charcot-Marie-Tooth, Type 4; Charcot-Marie-Tooth disease, type IV. Identifiers: Orphanet 64749, MedGen C4082197, MONDO:0018995.

Allele frequency attached by ClinVar (database versions not stated): gnomAD exomes 0.00001; TOPMed 0.00001; ExAC 0.00002.
gnomAD v4.1: 3 of 1,614,100 alleles (0.00019%); highest among the groups gnomAD compares: African/African-American, 0.0013%; no homozygotes.

Submissions (2):

Labcorp Genetics (formerly Invitae), Labcorp
Classification: Uncertain significance for Charcot-Marie-Tooth disease type 4. Last evaluated: 2021-09-19. Review status: criteria provided, single submitter. Criteria: Invitae Variant Classification Sherloc (09022015). Collection method: clinical testing. Allele origin: germline.
Comment: This sequence change replaces serine with cysteine at codon 896 of the FIG4 protein (p.Ser896Cys). The serine residue is weakly conserved and there is a moderate physicochemical difference between serine and cysteine. This variant is present in population databases (rs776236607, ExAC 0.003%). This variant has not been reported in the literature in individuals affected with FIG4-related conditions. Algorithms developed to predict the effect of missense changes on protein structure and function (SIFT, PolyPhen-2, Align-GVGD) all suggest that this variant is likely to be tolerated. In summary, the available evidence is currently insufficient to determine the role of this variant in disease. Therefore, it has been classified as a Variant of Uncertain Significance.

Ambry Genetics
Classification: Uncertain significance for Inborn genetic diseases. Last evaluated: 2020-06-23. Review status: criteria provided, single submitter. Criteria: Ambry Variant Classification Scheme 2023. Collection method: clinical testing. Allele origin: germline.
Comment: The p.S896C variant (also known as c.2687C>G), located in coding exon 23 of the FIG4 gene, results from a C to G substitution at nucleotide position 2687. The serine at codon 896 is replaced by cysteine, an amino acid with dissimilar properties. This amino acid position is not well conserved in available vertebrate species. In addition, this alteration is predicted to be tolerated by in silico analysis. Since supporting evidence is limited at this time, the clinical significance of this alteration remains unclear.

NM_014845.6(FIG4):c.2687C>G (p.Ser896Cys)

Gene: FIG4 (FIG4 phosphoinositide 5-phosphatase; plus strand). Cytogenetic location: 6q21.
Variant type: single nucleotide variant.
Coding change: c.2687C>G on transcript NM_014845.6 (MANE Select); coding-DNA position 2687, C replaced by G.
Protein change: p.Ser896Cys; replaces serine 896 with cysteine.
Molecular consequence: missense variant.
Genome position (GRCh38, 1-based): chr6:109,825,228, C>G. VCF-style: chr6-109825228-C-G. GRCh37 (hg19) VCF-style: chr6-110146431-C-G.
Other names: short protein forms S896C.
Identifiers: ClinVar variation 948500 (VCV000948500.6), dbSNP rs776236607, ClinGen allele CA3956483.